The following is an entry in ClinVar:

NM_003361.4(UMOD):c.1625A>G (p.Glu542Gly)

Gene: UMOD (uromodulin; minus strand). Cytogenetic location: 16p12.3.
Variant type: single nucleotide variant.
Coding change: c.1625A>G on transcript NM_003361.4 (MANE Select); coding-DNA position 1625, A replaced by G.
Protein change: p.Glu542Gly; replaces glutamic acid 542 with glycine.
Molecular consequence: missense variant. On other transcripts: non-coding transcript variant (1).
Genome position (GRCh38, 1-based): chr16:20,337,406, T>C on the plus strand (A>G on the coding strand, the complement: UMOD is on the minus strand). VCF-style: chr16-20337406-T-C. GRCh37 (hg19) VCF-style: chr16-20348728-T-C.
Other names: c.1625A>G, p.Glu542Gly (NM_001008389.3, NM_001378232.1, NM_001378233.1); c.1724A>G, p.Glu575Gly (NM_001278614.2); c.1766A>G, p.Glu589Gly (NM_001378234.1, NM_001378235.1); short protein forms E542G, E575G, E589G.
Identifiers: ClinVar variation 4740493 (VCV004740493.1).

ClinVar aggregate classification (germline): Uncertain significance (1 of 4 stars; one submission).

gnomAD v4.1: 3 of 1,614,052 alleles (0.00019%); highest among the groups gnomAD compares: Non-Finnish European, 0.00025%; no homozygotes.

Submission:

Labcorp Genetics (formerly Invitae), Labcorp
Classification: Uncertain significance. Last evaluated: 2025-09-26. Review status: criteria provided, single submitter. Criteria: Invitae Variant Classification Sherloc (09022015). Collection method: clinical testing. Allele origin: germline.
Comment: This sequence change replaces glutamic acid, which is acidic and polar, with glycine, which is neutral and non-polar, at codon 542 of the UMOD protein (p.Glu542Gly). This variant is not present in population databases (gnomAD no frequency). This variant has not been reported in the literature in individuals affected with UMOD-related conditions. Invitae Evidence Modeling of protein sequence and biophysical properties (such as structural, functional, and spatial information, amino acid conservation, physicochemical variation, residue mobility, and thermodynamic stability) indicates that this missense variant is not expected to disrupt UMOD protein function with a negative predictive value of 80%. Algorithms developed to predict the effect of sequence changes on RNA splicing suggest that this variant may disrupt the consensus splice site. In summary, the available evidence is currently insufficient to determine the role of this variant in disease. Therefore, it has been classified as a Variant of Uncertain Significance.